The following is an entry in ClinVar:

NM_001042492.3(NF1):c.6820-1G>A

Gene: NF1 (neurofibromin 1; plus strand). Cytogenetic location: 17q11.2.
Variant type: single nucleotide variant.
Coding change: c.6820-1G>A on transcript NM_001042492.3 (MANE Select); the canonical splice acceptor site of the intron before coding-DNA position 6820, G replaced by A.
Molecular consequence: splice acceptor variant.
Genome position (GRCh38, 1-based): chr17:31,338,703, G>A. VCF-style: chr17-31338703-G-A. GRCh37 (hg19) VCF-style: chr17-29665721-G-A.
Other names: c.6757-1G>A (NM_000267.4).
Identifiers: ClinVar variation 1692345 (VCV001692345.9), dbSNP rs1060500266, ClinGen allele CA399014235.

ClinVar aggregate classification (germline): Pathogenic/Likely pathogenic. Review status: criteria provided, multiple submitters, no conflicts (2 of 4 stars). 5 submissions from 5 submitters: Pathogenic (2); Likely pathogenic (3). Last evaluated 2026-05-07.

Conditions:
Hereditary cancer-predisposing syndrome. Also called: Hereditary neoplastic syndrome; Hereditary Cancer Syndrome; Tumor predisposition; Neoplastic Syndromes, Hereditary. Identifiers: Orphanet 140162, MedGen C0027672, MeSH D009386, MONDO:0015356.
Neurofibromatosis, type 1 (NF1). Also called: VON RECKLINGHAUSEN DISEASE; NEUROFIBROMATOSIS, TYPE I, SOMATIC; Peripheral type neurofibromatosis; Neurofibromatosis, type I. Identifiers: Orphanet 636, MedGen C0027831, MONDO:0018975, OMIM 162200. Disease mechanism: loss of function.
NF1-related disorder. Also called: NF1-related condition. Identifiers: MedGen CN379171.
Cardiovascular phenotype. Identifiers: MedGen CN230736.

Submissions (5):

Ambry Genetics
Classification: Likely pathogenic for Cardiovascular phenotype; Hereditary cancer-predisposing syndrome. Last evaluated: 2026-05-07. Review status: criteria provided, single submitter. Criteria: Ambry Variant Classification Scheme 2023. Collection method: clinical testing. Allele origin: germline.
Comment: The c.6757-1G>A intronic variant results from a G to A substitution one nucleotide upstream from coding exon 45 of the NF1 gene. This variant was reported in individual(s) with features consistent with neurofibromatosis type 1 (Sabbagh A et al. Hum Mutat, 2013 Nov;34:1510-8). This nucleotide position is highly conserved in available vertebrate species. In silico splice site analysis predicts that this alteration will weaken the native splice acceptor site and will result in the creation or strengthening of a novel splice acceptor site. RNA studies have demonstrated that this variant results in abnormal splicing in the set of samples tested (Sabbagh A et al. Hum Mutat, 2013 Nov;34:1510-8; Ambry internal data). This variant is considered to be rare based on population cohorts in the Genome Aggregation Database (gnomAD). Based on the majority of available evidence to date, this variant is likely to be pathogenic.

Labcorp Genetics (formerly Invitae), Labcorp
Classification: Pathogenic for Neurofibromatosis, type 1. Last evaluated: 2025-11-28. Review status: criteria provided, single submitter. Criteria: Invitae Variant Classification Sherloc (09022015). Collection method: clinical testing. Allele origin: germline.
Comment: This sequence change affects an acceptor splice site in intron 44 of the NF1 gene. It is expected to disrupt RNA splicing. Variants that disrupt the donor or acceptor splice site typically lead to a loss of protein function (PMID: 16199547), and loss-of-function variants in NF1 are known to be pathogenic (PMID: 10712197, 23913538). This variant is not present in population databases (gnomAD no frequency). Disruption of this splice site has been observed in individual(s) with Neurofibromatosis type I (PMID: 23668869, 23913538). ClinVar contains an entry for this variant (Variation ID: 1692345). Algorithms developed to predict the effect of sequence changes on RNA splicing suggest that this variant may disrupt the consensus splice site. For these reasons, this variant has been classified as Pathogenic.

Variantyx, Inc.
Classification: Pathogenic for Neurofibromatosis, type 1. Last evaluated: 2025-07-03. Review status: criteria provided, single submitter. Criteria: Variantyx Assertion Criteria 2022. Collection method: clinical testing. Allele origin: germline. Inheritance: Autosomal dominant inheritance. Affected: yes.
Comment: This is a canonical splicing variant in the NF1 gene (OMIM: 613113). Pathogenic variants in this gene have been associated with autosomal dominant neurofibromatosis type 1. This splicing variant is expected to result in loss of function, which is a known disease mechanism for NF1 in this disorder (PMID: 23913538 , 34427956) (PVS1). This variant has been reported in at least one affected individual (PMID: 23913538 ) (PS4, while it is absent from control populations (PM2). Based on the current evidence, this variant is classified as pathogenic for autosomal dominant neurofibromatosis type 1.

Blueprint Genetics
Classification: Likely pathogenic for NF1-related disorders. Last evaluated: 2024-06-26. Review status: criteria provided, single submitter. Criteria: ACMG Guidelines, 2015. Collection method: clinical testing. Allele origin: germline. Affected: yes. Observed: 1 variant allele.

Sema4
Classification: Likely pathogenic for Hereditary cancer-predisposing syndrome. Last evaluated: 2021-12-01. Review status: criteria provided, single submitter. Criteria: Sema4 Curation Guidelines. Collection method: curation. Allele origin: germline.
Comment: The NF1 c.6757-1G>A variant has been reported in heterozygosity in at least one individual with neurofibromatosis 1 (PMID: 23913538). This variant affects a nucleotide within a consensus splice site of an intron. This variant may cause exon skipping, intron retention or use of a cryptic splice site. This variant is not reported in the population database Genome Aggregation Database (PMID: 32461654), nor in ClinVar. Based on the current evidence available, this variant is interpreted as likely pathogenic.

Literature cited by the submitters: PubMed 23913538 (cited by 4 submitters); PubMed 16199547 (cited by Labcorp Genetics (formerly Invitae), Labcorp); PubMed 10712197 (cited by Labcorp Genetics (formerly Invitae), Labcorp); PubMed 23668869 (cited by Labcorp Genetics (formerly Invitae), Labcorp); PubMed 34427956 (cited by Variantyx, Inc.).